The following is an entry in ClinVar:

ClinVar aggregate classification (germline): Conflicting classifications of pathogenicity. Review status: criteria provided, conflicting classifications (1 of 4 stars). 5 submissions from 5 submitters: Uncertain significance (3); Likely benign (2). Last evaluated 2024-06-06.

Conditions:
Hereditary breast ovarian cancer syndrome. Also called: Hereditary breast and ovarian cancer syndrome (HBOC); Hereditary breast and ovarian cancer; BRCA1- and BRCA2-Associated Hereditary Breast and Ovarian Cancer; Breast and ovarian cancer; Hereditary breast and ovarian cancer syndrome; Hereditary breast and/or ovarian cancer syndrome. Identifiers: Orphanet 145, MedGen C0677776, MeSH D061325, MONDO:0003582. Disease mechanism: loss of function.
Breast-ovarian cancer, familial, susceptibility to, 1 (BROVCA1). Also called: OVARIAN CANCER, SUSCEPTIBILITY TO; BRCA1 Hereditary Breast and Ovarian Cancer. Identifiers: Orphanet 145, MedGen C2676676, MONDO:0011450, OMIM 604370. Disease mechanism: loss of function.
Hereditary cancer-predisposing syndrome. Also called: Hereditary neoplastic syndrome; Tumor predisposition; Hereditary Cancer Syndrome; Neoplastic Syndromes, Hereditary. Identifiers: Orphanet 140162, MedGen C0027672, MeSH D009386, MONDO:0015356.

Allele frequency attached by ClinVar (database versions not stated): gnomAD exomes below 0.00001; ExAC 0.00001.
gnomAD v4.1: 3 of 1,614,266 alleles (0.00019%); highest among the groups gnomAD compares: South Asian, 0.0022%; no homozygotes.

Submissions (6):

Ambry Genetics
Classification: Likely benign for Hereditary cancer-predisposing syndrome. Last evaluated: 2024-06-06. Review status: criteria provided, single submitter. Criteria: Ambry Variant Classification Scheme 2023. Collection method: clinical testing. Allele origin: germline.

Lupski Lab, Baylor-Hopkins CMG, Baylor College of Medicine
Classification: Likely benign for Breast-ovarian cancer, familial, susceptibility to, 1. Last evaluated: 2024-04-12. Review status: criteria provided, single submitter. Criteria: Dawood et al. (medRxiv. 2024). Collection method: curation. Allele origin: germline.
Comment: Each variant was annotated with functional scores from MAVE data which was translated into functional evidence codes. All other evidence codes and combining criteria were adhered to as closely as possible based on the ClinGen VCEP (Variant Curation Expert Panel) gene-specific recommendations. See Supplemental Figure 34 of final paper (Supp Fig. 28 in preprint: doi:10.1101/2024.04.11.24305690) for a table to see which lines of evidence we did not have data for. The ClinGen VCEPs are highly regarded as the gold-standard for gene-specific variant curation and are developed after extensive evaluation of the evidence by clinical and scientific experts for the particular gene to classify genomic variants on a spectrum from pathogenic to benign using the 2015 ACMG/AMP Variant Interpretation Guidelines as a backbone (PMID: 25741868). Reclassification of these VUS variants from gnomAD or All of Us focused only on variants originally prescribed as VUS in ClinVar. To ensure reproducibility, transparency, and increased throughput, all the procedures for annotating variants and assigning evidence codes were codified using Python. All code has been made freely available and is linked in the Code Availability section and all reclassified variants with evidence codes used can be found in Tables S18-19 (preprint: doi:10.1101/2024.04.11.24305690). For the MAVE data, the clinical curation and clinical strength assignment as per the ClinGen recommendations in Brnich et al. (2020) (PMID: 31892348) for or against pathogenicity or benignity of each of these MAVE datasets utilized in this study were previously published in Fayer et al. (2021) (PMID: 34793697).In brief, for BRCA1 variants, if a variant was categorized as FUNC (functional), it was assigned BS3 evidence and no PS3 evidence, whereas if it was categorized as LOF (loss of function), the variant was assigned PS3 evidence and no BS3 evidence. Variants categorized as INT (intermediate) were left unannotated. For the BRCA1 combining criteria, greater than or equal to 1 criteria of strong benign evidence was enough to reclassify the VUS as Likely Benign. This variant GRCh37:17:41222989:T>C was assigned evidence codes ['BS3', 'BP4'] and an overall classification of Likely Benign

Labcorp Genetics (formerly Invitae), Labcorp
Classification: Uncertain significance for Hereditary breast ovarian cancer syndrome. Last evaluated: 2024-04-05. Review status: criteria provided, single submitter. Criteria: Invitae Variant Classification Sherloc (09022015). Collection method: clinical testing. Allele origin: germline.
Comment: This sequence change replaces lysine, which is basic and polar, with glutamic acid, which is acidic and polar, at codon 1648 of the BRCA1 protein (p.Lys1648Glu). This variant is present in population databases (rs747694453, gnomAD 0.003%). This missense change has been observed in individual(s) with breast cancer (PMID: 22486713). ClinVar contains an entry for this variant (Variation ID: 662443). Advanced modeling performed at Invitae incorporating data from internal and/or published experimental studies (PMID: 30209399) indicates that this missense variant is not expected to disrupt BRCA1 function with a negative predictive value of 95%. Experimental studies have shown that this missense change does not substantially affect BRCA1 function (PMID: 30209399, 30765603). In summary, the available evidence is currently insufficient to determine the role of this variant in disease. Therefore, it has been classified as a Variant of Uncertain Significance.

Baylor Genetics
Classification: Uncertain significance for Breast-ovarian cancer, familial, susceptibility to, 1. Last evaluated: 2023-08-27. Review status: criteria provided, single submitter. Criteria: ACMG Guidelines, 2015. Collection method: clinical testing. Allele origin: unknown.

Color Diagnostics, LLC DBA Color Health
Classification: Uncertain significance for Hereditary cancer-predisposing syndrome. Last evaluated: 2019-07-30. Review status: criteria provided, single submitter. Criteria: ACMG Guidelines, 2015. Collection method: clinical testing. Allele origin: germline.
Comment: This missense variant replaces lysine with glutamic acid at codon 1648 of the BRCA1 protein. Computational prediction tools and conservation analyses are inconclusive regarding the impact of this variant on the protein function. Computational splicing tools suggest that this variant may not impact RNA splicing. To our knowledge, functional assays have not been performed for this variant nor has this variant. This variant has been reported in an individual affected with breast cancer (PMID: 22486713). This variant has been identified in 1/251200 chromosomes in the general population by the Genome Aggregation Database (gnomAD). Available evidence is insufficient to determine the role of this variant in disease conclusively. Therefore, this variant is classified as a Variant of Uncertain Significance.

Brotman Baty Institute, University of Washington
No classification provided (evidence only). Condition: Breast-ovarian cancer, familial 1. Review status: no classification provided. Collection method: in vitro. Allele origin: not applicable. Functional consequence: functionally_normal. Not counted in ClinVar's aggregate classification.
ClinVar note: "not provided" was previously submitted as the classification for the variant. However, the classification appeared to be based only on an observation of functional data so it was converted to no classification on 2025-07-30.

Literature cited by the submitters: PubMed 22486713 (cited by Ambry Genetics and Labcorp Genetics (formerly Invitae), Labcorp); PubMed 30209399 (cited by Ambry Genetics and Labcorp Genetics (formerly Invitae), Labcorp); PubMed 30287823 (cited by Ambry Genetics); PubMed 39142283 (cited by Lupski Lab, Baylor-Hopkins CMG, Baylor College of Medicine); PubMed 34793697 (cited by Lupski Lab, Baylor-Hopkins CMG, Baylor College of Medicine); DOI 10.1101/2024.04.11.24305690 (cited by Lupski Lab, Baylor-Hopkins CMG, Baylor College of Medicine); PubMed 30765603 (cited by Labcorp Genetics (formerly Invitae), Labcorp).

NM_007294.4(BRCA1):c.4942A>G (p.Lys1648Glu)

Gene: BRCA1 (BRCA1 DNA repair associated; minus strand). Cytogenetic location: 17q21.31.
Variant type: single nucleotide variant.
Coding change: c.4942A>G on transcript NM_007294.4 (MANE Select); coding-DNA position 4942, A replaced by G.
Protein change: p.Lys1648Glu; replaces lysine 1648 with glutamic acid.
Molecular consequence: missense variant. On other transcripts: non-coding transcript variant (1).
Genome position (GRCh38, 1-based): chr17:43,070,972, T>C on the plus strand (A>G on the coding strand, the complement: BRCA1 is on the minus strand). VCF-style: chr17-43070972-T-C. GRCh37 (hg19) VCF-style: chr17-41222989-T-C.
Other names: c.1552A>G, p.Lys518Glu (NM_001408415.1, NM_001408416.1, NM_001408414.1 and 2 more transcripts); c.1516A>G, p.Lys506Glu (NM_001408418.1, NM_001408419.1, NM_001408420.1); c.1513A>G, p.Lys505Glu (NM_001408421.1, NM_001408422.1, NM_001408423.1 and 1 more transcripts); c.4816A>G, p.Lys1606Glu (NM_001407676.1, NM_001407677.1, NM_001407678.1 and 11 more transcripts); c.4813A>G, p.Lys1605Glu (NM_001407681.1, NM_001407682.1, NM_001407683.1 and 6 more transcripts); c.4942A>G, p.Lys1648Glu (NM_001407684.1, NM_001407593.1, NM_001407594.1 and 8 more transcripts); c.1630A>G, p.Lys544Glu (NM_001407993.1, NM_001408472.1, NM_007298.4 and 13 more transcripts); c.1627A>G, p.Lys543Glu (NM_001408392.1, NM_001408396.1, NM_001408397.1 and 8 more transcripts); and 70 more; short protein forms K1601E, K1669E, K1648E, K544E, K1578E, K1599E, K1606E, K1622E.
Identifiers: ClinVar variation 662443 (VCV000662443.22), dbSNP rs747694453, ClinGen allele CA053462.